The following is an entry in ClinVar:

ClinVar aggregate classification (germline): Uncertain significance (1 of 4 stars; one submission).

gnomAD v4.1: 5 of 1,610,418 alleles (0.00031%); highest among the groups gnomAD compares: East Asian, 0.0022%; no homozygotes.

Submission:

GeneDx
Classification: Uncertain significance. Last evaluated: 2026-04-07. Review status: criteria provided, single submitter. Criteria: GeneDx Variant Classification Process June 2021. Collection method: clinical testing. Allele origin: germline.
Comment: Not observed at significant frequency in large population cohorts (gnomAD); Missense variant in a gene in which most reported pathogenic variants are truncating/loss of function; Has not been previously published as pathogenic or benign to our knowledge

NM_001267550.2(TTN):c.25954A>G (p.Ile8652Val)

Gene: TTN (titin; minus strand). Cytogenetic location: 2q31.2.
Variant type: single nucleotide variant.
Coding change: c.25954A>G on transcript NM_001267550.2 (MANE Select); coding-DNA position 25954, A replaced by G.
Protein change: p.Ile8652Val; replaces isoleucine 8652 with valine.
Molecular consequence: missense variant. On other transcripts: intron variant (3).
Genome position (GRCh38, 1-based): chr2:178,715,232, T>C on the plus strand (A>G on the coding strand, the complement: TTN is on the minus strand). VCF-style: chr2-178715232-T-C. GRCh37 (hg19) VCF-style: chr2-179579959-T-C.
Other names: c.25003A>G, p.Ile8335Val (NM_001256850.1); c.22222A>G, p.Ile7408Val (NM_133378.4); c.13282+22850A>G (NM_003319.4); c.13858+22850A>G (NM_133437.4); c.13657+22850A>G (NM_133432.3); short protein forms I7408V, I8335V, I8652V.
Identifiers: ClinVar variation 5018439 (VCV005018439.1).